The following is an entry in ClinVar:

ClinVar aggregate classification (germline): Uncertain significance (1 of 4 stars; one submission).

Allele frequency attached by ClinVar (database versions not stated): gnomAD exomes below 0.00001; TOPMed below 0.00001.
gnomAD v4.1: 1 of 1,610,256 alleles (0.000062%); highest among the groups gnomAD compares: Non-Finnish European, 0.000085%; no homozygotes.

Submission:

Labcorp Genetics (formerly Invitae), Labcorp
Classification: Uncertain significance. Last evaluated: 2024-02-17. Review status: criteria provided, single submitter. Criteria: Invitae Variant Classification Sherloc (09022015). Collection method: clinical testing. Allele origin: germline.
Comment: This sequence change falls in intron 13 of the MKL1 gene. It does not directly change the encoded amino acid sequence of the MKL1 protein. It affects a nucleotide within the consensus splice site. This variant is not present in population databases (gnomAD no frequency). This variant has not been reported in the literature in individuals affected with MKL1-related conditions. ClinVar contains an entry for this variant (Variation ID: 1682949). Variants that disrupt the consensus splice site are a relatively common cause of aberrant splicing (PMID: 17576681, 9536098). Algorithms developed to predict the effect of sequence changes on RNA splicing suggest that this variant is not likely to affect RNA splicing. In summary, the available evidence is currently insufficient to determine the role of this variant in disease. Therefore, it has been classified as a Variant of Uncertain Significance.

Literature cited by the submitters: PubMed 17576681; PubMed 9536098.

NM_020831.6(MRTFA):c.2517+6G>A

Gene: MRTFA (myocardin related transcription factor A; minus strand). Cytogenetic location: 22q13.1.
Variant type: single nucleotide variant.
Coding change: c.2517+6G>A on transcript NM_020831.6 (MANE Select); 6 bases into the intron after coding-DNA position 2517, G replaced by A.
Molecular consequence: intron variant.
Genome position (GRCh38, 1-based): chr22:40,417,335, C>T on the plus strand (G>A on the coding strand, the complement: MRTFA is on the minus strand). VCF-style: chr22-40417335-C-T. GRCh37 (hg19) VCF-style: chr22-40813339-C-T.
Other names: c.2367+6G>A (NM_001282661.3); c.2517+6G>A (NM_001282662.3); c.2322+6G>A (NM_001318139.2); c.2217+6G>A (NM_001282660.2).
Identifiers: ClinVar variation 1682949 (VCV001682949.6), dbSNP rs2052703665, ClinGen allele CA2405750404.